The following is an entry in ClinVar:

NM_015047.3(EMC1):c.667_678del (p.Leu223_Ala226del)

Genes: EMC1 (ER membrane protein complex subunit 1; minus strand), EMC1-AS1 (EMC1 antisense RNA 1; plus strand). Cytogenetic location: 1p36.13.
Variant type: Deletion.
Coding change: c.667_678del on transcript NM_015047.3 (MANE Select); coding-DNA positions 667 to 678, 12 bases deleted (CTGTCTGGAGCC).
Protein change: p.Leu223_Ala226del.
Molecular consequence: inframe deletion. On other transcripts: non-coding transcript variant (1).
Genome position (GRCh38, 1-based): chr1:19,240,405-19,240,416, GGCTCCAGACAG deleted on the plus strand (CTGTCTGGAGCC on the coding strand, the reverse complement: EMC1 is on the minus strand); deleting any 12 consecutive bases within chr1:19,240,405-19,240,417 gives the same sequence; the c. name uses the placement nearest the transcript's 3' end. VCF-style (leftmost placement, unchanged base first): chr1-19240404-AGGCTCCAGACAG-A. GRCh37 (hg19) VCF-style: chr1-19566898-AGGCTCCAGACAG-A.
Other names: c.667_678del, p.Leu223_Ala226del (NM_001271427.2, NM_001271428.2, NM_001375820.1 and 1 more transcripts); c.601_612del, p.Leu201_Ala204del (NM_001271429.2).
Identifiers: ClinVar variation 2771485 (VCV002771485.3), dbSNP rs2536784998, ClinGen allele CA2697552228.

ClinVar aggregate classification (germline): Uncertain significance (1 of 4 stars; one submission).

Submission:

Labcorp Genetics (formerly Invitae), Labcorp
Classification: Uncertain significance. Last evaluated: 2023-10-26. Review status: criteria provided, single submitter. Criteria: Invitae Variant Classification Sherloc (09022015). Collection method: clinical testing. Allele origin: germline.
Comment: This variant, c.667_678del, results in the deletion of 4 amino acid(s) of the EMC1 protein (p.Leu223_Ala226del), but otherwise preserves the integrity of the reading frame. This variant is not present in population databases (gnomAD no frequency). This variant has not been reported in the literature in individuals affected with EMC1-related conditions. Experimental studies and prediction algorithms are not available or were not evaluated, and the functional significance of this variant is currently unknown. In summary, the available evidence is currently insufficient to determine the role of this variant in disease. Therefore, it has been classified as a Variant of Uncertain Significance.